The following is an entry in ClinVar:

ClinVar aggregate classification (germline): Uncertain significance (1 of 4 stars; one submission).

Submission:

Women's Health and Genetics/Laboratory Corporation of America, LabCorp
Classification: Uncertain significance. Last evaluated: 2024-12-03. Review status: criteria provided, single submitter. Criteria: LabCorp Variant Classification Summary - May 2015. Collection method: clinical testing. Allele origin: germline.
Comment: Variant summary: CASR c.418G>A (p.Ala140Thr) results in a non-conservative amino acid change located in the Periplasmic binding protein-like I domain (IPR028082) of the encoded protein sequence. Five of five in-silico tools predict a damaging effect of the variant on protein function. The variant was absent in 251330 control chromosomes. The available data on variant occurrences in the general population are insufficient to allow any conclusion about variant significance. To our knowledge, no occurrence of c.418G>A in individuals affected with Autosomal Dominant Hypocalcemia and no experimental evidence demonstrating its impact on protein function have been reported. No submitters have cited clinical-significance assessments for this variant to ClinVar. Based on the evidence outlined above, the variant was classified as uncertain significance.

NM_000388.4(CASR):c.418G>A (p.Ala140Thr)

Gene: CASR (calcium sensing receptor; plus strand). Cytogenetic location: 3q21.1.
Variant type: single nucleotide variant.
Coding change: c.418G>A on transcript NM_000388.4 (MANE Select); coding-DNA position 418, G replaced by A.
Protein change: p.Ala140Thr; replaces alanine 140 with threonine.
Molecular consequence: missense variant.
Genome position (GRCh38, 1-based): chr3:122,257,313, G>A. VCF-style: chr3-122257313-G-A. GRCh37 (hg19) VCF-style: chr3-121976160-G-A.
Other names: c.418G>A, p.Ala140Thr (NM_001178065.2); short protein forms A140T.
Identifiers: ClinVar variation 3768303 (VCV003768303.1).
Genomic context (GRCh38, chr3:122,257,313, plus strand): 5'-ATTGATTCTTTGAACCTTGATGAGTTCTGCAACTGCTCAGAGCACATTCCCTCTACGATT[G>A]CTGTGGTGGGAGCAACTGGCTCAGGCGTCTCCACGGCAGTGGCAAATCTGCTGGGGCTCT-3'
Protein context (NP_000379.3, residues 130-150): NCSEHIPSTI[Ala140Thr]VVGATGSGVS